The following is an entry in ClinVar:

ClinVar aggregate classification (germline): Uncertain significance (0 of 4 stars; one submission).

Conditions:
SEMA3B-related disorder. Also called: SEMA3B-related condition.

Submission:

PreventionGenetics, part of Exact Sciences
Classification: Uncertain significance for SEMA3B-related condition. Last evaluated: 2024-09-16. Review status: no assertion criteria provided. Collection method: clinical testing. Allele origin: germline.
Comment: The SEMA3B c.2212C>T variant is predicted to result in the amino acid substitution p.His738Tyr. To our knowledge, this variant has not been reported in the literature or in a large population database, indicating this variant is rare. At this time, the clinical significance of this variant is uncertain due to the absence of conclusive functional and genetic evidence.

NM_001290060.2(SEMA3B):c.2197C>T (p.His733Tyr)

Gene: SEMA3B (semaphorin 3B; plus strand). Cytogenetic location: 3p21.31.
Variant type: single nucleotide variant.
Coding change: c.2197C>T on transcript NM_001290060.2 (MANE Select); coding-DNA position 2197, C replaced by T.
Protein change: p.His733Tyr; replaces histidine 733 with tyrosine.
Molecular consequence: missense variant. On other transcripts: non-coding transcript variant (1).
Genome position (GRCh38, 1-based): chr3:50,276,653, C>T. VCF-style: chr3-50276653-C-T. GRCh37 (hg19) VCF-style: chr3-50314084-C-T.
Other names: c.2194C>T, p.His732Tyr (NM_001005914.3); c.2212C>T, p.His738Tyr (NM_001290061.1); c.1168C>T, p.His390Tyr (NM_001290062.2, NM_001290063.2); c.2197C>T, p.His733Tyr (NM_004636.4); short protein forms H390Y, H732Y, H733Y, H738Y.
Identifiers: ClinVar variation 3346815 (VCV003346815.1).